The following is an entry in ClinVar:

ClinVar aggregate classification (germline): Uncertain significance (1 of 4 stars; one submission).

gnomAD v4.1: 3 of 1,613,876 alleles (0.00019%); highest among the groups gnomAD compares: Non-Finnish European, 0.00025%; no homozygotes.

Submission:

Labcorp Genetics (formerly Invitae), Labcorp
Classification: Uncertain significance. Last evaluated: 2024-09-19. Review status: criteria provided, single submitter. Criteria: Invitae Variant Classification Sherloc (09022015). Collection method: clinical testing. Allele origin: germline.
Comment: This sequence change replaces threonine, which is neutral and polar, with isoleucine, which is neutral and non-polar, at codon 146 of the SLC22A4 protein (p.Thr146Ile). This variant is not present in population databases (gnomAD no frequency). This variant has not been reported in the literature in individuals affected with SLC22A4-related conditions. An algorithm developed to predict the effect of missense changes on protein structure and function (PolyPhen-2) suggests that this variant is likely to be tolerated. In summary, the available evidence is currently insufficient to determine the role of this variant in disease. Therefore, it has been classified as a Variant of Uncertain Significance.

NM_003059.3(SLC22A4):c.437C>T (p.Thr146Ile)

Genes: SLC22A4 (solute carrier family 22 member 4; plus strand), MIR3936HG (MIR3936 host gene; minus strand). Cytogenetic location: 5q31.1.
Variant type: single nucleotide variant.
Coding change: c.437C>T on transcript NM_003059.3 (MANE Select); coding-DNA position 437, C replaced by T.
Protein change: p.Thr146Ile; replaces threonine 146 with isoleucine.
Molecular consequence: missense variant. On other transcripts: non-coding transcript variant (1).
Genome position (GRCh38, 1-based): chr5:132,312,204, C>T. VCF-style: chr5-132312204-C-T. GRCh37 (hg19) VCF-style: chr5-131647897-C-T.
Other names: short protein forms T146I.
Identifiers: ClinVar variation 3674309 (VCV003674309.2).
Genomic context (GRCh38, chr5:132,312,204, plus strand): 5'-GCTGTCTTCCTTGGCAGTGGAATCTGGTGTGTGAGGACAACTGGAAGGTGCCCCTCACCA[C>T]CTCCCTGTTCTTCGTAGGCGTGCTCCTCGGCTCCTTCGTGTCCGGGCAGCTGTCAGACAG-3'
Protein context (NP_003050.2, residues 136-156): CEDNWKVPLT[Thr146Ile]SLFFVGVLLG